The following is an entry in ClinVar:

ClinVar aggregate classification (germline): Uncertain significance (1 of 4 stars; one submission).

Conditions:
Hypertrophic cardiomyopathy. Also called: HYPERTROPHIC MYOCARDIOPATHY. Identifiers: Orphanet 217569, MedGen C0007194, MeSH D002312, MONDO:0005045, HP:0001639.

Submission:

Labcorp Genetics (formerly Invitae), Labcorp
Classification: Uncertain significance for Hypertrophic cardiomyopathy. Last evaluated: 2025-04-22. Review status: criteria provided, single submitter. Criteria: Invitae Variant Classification Sherloc (09022015). Collection method: clinical testing. Allele origin: germline.
Comment: This sequence change replaces glutamic acid, which is acidic and polar, with valine, which is neutral and non-polar, at codon 1085 of the MYBPC3 protein (p.Glu1085Val). This variant is not present in population databases (gnomAD no frequency). This variant has not been reported in the literature in individuals affected with MYBPC3-related conditions. An algorithm developed to predict the effect of missense changes on protein structure and function (PolyPhen-2) suggests that this variant is likely to be disruptive. In summary, the available evidence is currently insufficient to determine the role of this variant in disease. Therefore, it has been classified as a Variant of Uncertain Significance.

NM_000256.3(MYBPC3):c.3254A>T (p.Glu1085Val)

Gene: MYBPC3 (myosin binding protein C3; minus strand). Cytogenetic location: 11p11.2.
Variant type: single nucleotide variant.
Coding change: c.3254A>T on transcript NM_000256.3 (MANE Select); coding-DNA position 3254, A replaced by T.
Protein change: p.Glu1085Val; replaces glutamic acid 1085 with valine.
Molecular consequence: missense variant.
Genome position (GRCh38, 1-based): chr11:47,333,270, T>A on the plus strand (A>T on the coding strand, the complement: MYBPC3 is on the minus strand). VCF-style: chr11-47333270-T-A. GRCh37 (hg19) VCF-style: chr11-47354821-T-A.
Other names: short protein forms E1085V.
Identifiers: ClinVar variation 4805955 (VCV004805955.1).
Genomic context (GRCh38, chr11:47,333,270, plus strand): 5'-GCTTTCTGCACTGTGTACCCCCAGAGCTCCGTGTTGCCGACATCCTGGGGTGGCTTCCAC[T>A]CCAGAGCCACATTAAGACCCCAGGCGTCAGTCACCCGGAGATCCTGGGGAGGACTTGGCT-3'
Protein context (NP_000247.2, residues 1075-1095): TDAWGLNVAL[Glu1085Val]WKPPQDVGNT